The following is an entry in ClinVar:

NM_001042492.3(NF1):c.4477_4502del (p.Asn1493fs)

Gene: NF1 (neurofibromin 1; plus strand). Cytogenetic location: 17q11.2.
Variant type: Deletion.
Coding change: c.4477_4502del on transcript NM_001042492.3 (MANE Select); coding-DNA positions 4477 to 4502, 26 bases deleted (AATCATAGTCTTTCCTTCATAAGTGA).
Protein change: p.Asn1493fs; shifts the reading frame from asparagine 1493.
Molecular consequence: frameshift variant.
Genome position (GRCh38, 1-based): chr17:31,260,415-31,260,440, AATCATAGTCTTTCCTTCATAAGTGA deleted; deleting any 26 consecutive bases within chr17:31,260,414-31,260,440 gives the same sequence; the c. name uses the placement nearest the transcript's 3' end. VCF-style (leftmost placement, unchanged base first): chr17-31260413-TAAATCATAGTCTTTCCTTCATAAGTG-T. GRCh37 (hg19) VCF-style: chr17-29587431-TAAATCATAGTCTTTCCTTCATAAGTG-T.
Other names: c.4414_4439del26 (NM_000267.3); c.4414_4439del26, p.Asn1472Argfs (NM_000267.4); short protein forms N1472fs, N1493fs.
Identifiers: ClinVar variation 2452304 (VCV002452304.2), dbSNP rs2508421014, ClinGen allele CA2580093081.

ClinVar aggregate classification (germline): Pathogenic (1 of 4 stars; one submission).

Conditions:
Hereditary cancer-predisposing syndrome. Also called: Neoplastic Syndromes, Hereditary; Tumor predisposition; Hereditary neoplastic syndrome; Hereditary Cancer Syndrome. Identifiers: Orphanet 140162, MedGen C0027672, MeSH D009386, MONDO:0015356.
Cardiovascular phenotype. Identifiers: MedGen CN230736.

Submission:

Ambry Genetics
Classification: Pathogenic for Cardiovascular phenotype; Hereditary cancer-predisposing syndrome. Last evaluated: 2023-02-21. Review status: criteria provided, single submitter. Criteria: Ambry Variant Classification Scheme 2023. Collection method: clinical testing. Allele origin: germline.
Comment: The c.4414_4439del26 pathogenic mutation, located in coding exon 33 of the NF1 gene, results from a deletion of 26 nucleotides at nucleotide positions 4414 to 4439, causing a translational frameshift with a predicted alternate stop codon (p.N1472Rfs*28). This alteration has been observed in at least one individual with a personal and/or family history that is consistent with NF1-related disease (Ambry internal data). This variant is considered to be rare based on population cohorts in the Genome Aggregation Database (gnomAD). This alteration is expected to result in loss of function by premature protein truncation or nonsense-mediated mRNA decay. As such, this alteration is interpreted as a disease-causing mutation.